The following is an entry in ClinVar:

NM_001387690.1(KATNAL2):c.1211+6915G>A

Gene: KATNAL2 (katanin catalytic subunit A1 like 2; plus strand). Cytogenetic location: 18q21.1.
Variant type: single nucleotide variant.
Coding change: c.1211+6915G>A on transcript NM_001387690.1 (MANE Select); 6915 bases into the intron after coding-DNA position 1211, G replaced by A.
Molecular consequence: intron variant. On other transcripts: synonymous variant (1), missense variant (1).
Genome position (GRCh38, 1-based): chr18:47,084,376, G>A. VCF-style: chr18-47084376-G-A. GRCh37 (hg19) VCF-style: chr18-44610747-G-A.
Other names: c.897G>A, p.Leu299= (NM_001353907.1); c.824G>A, p.Cys275Tyr (NM_001353909.1); c.779+6915G>A (NM_001353904.1, NM_001353908.1); c.1289+6915G>A (NM_001353899.1); c.1286+6915G>A (NM_001353900.1); c.878+6915G>A (NM_001353903.1, NM_001353905.1, NM_001353906.1); c.1211+6915G>A (NM_001353901.1, NM_001367621.1); c.1190+6915G>A (NM_001353902.1); and 1 more; short protein forms C275Y.
Identifiers: ClinVar variation 4986507 (VCV004986507.1).

ClinVar aggregate classification (germline): Uncertain significance (1 of 4 stars; one submission).

Conditions:
KATNAL2-related disorder. Also called: KATNAL2-related condition.

gnomAD v4.1: 8 of 702,718 alleles (0.0011%); highest among the groups gnomAD compares: Middle Eastern, 0.023%; no homozygotes.

Submission:

PreventionGenetics, part of Exact Sciences
Classification: Uncertain significance for KATNAL2-related condition. Last evaluated: 2024-12-16. Review status: criteria provided, single submitter. Criteria: ACMG Guidelines, 2015. Collection method: clinical testing. Allele origin: germline.
Comment: The KATNAL2 c.824G>A variant is predicted to result in the amino acid substitution p.Cys275Tyr. To our knowledge, this variant has not been reported in the literature. This variant is reported in 0.0019% of alleles in individuals of European (Non-Finnish) descent in gnomAD. At this time, the clinical significance of this variant is uncertain due to the absence of conclusive functional and genetic evidence.